The following is an entry in ClinVar:

ClinVar aggregate classification (germline): Likely pathogenic (1 of 4 stars; one submission).

Conditions:
Short-rib thoracic dysplasia 13 with or without polydactyly (SRTD13). Identifiers: Orphanet 474, MedGen C4225378, MONDO:0014577, OMIM 616300.
Joubert syndrome 31. Identifiers: MedGen C4540355, MONDO:0033310, OMIM 617761.

Submission:

Juno Genomics, Hangzhou Juno Genomics, Inc
Classification: Likely pathogenic for Joubert syndrome 31; Short-rib thoracic dysplasia 13 with or without polydactyly. Review status: criteria provided, single submitter. Criteria: ACMG Guidelines, 2015. Collection method: clinical testing. Allele origin: germline.
Comment: Null variant in a gene where loss of function (LOF) is a known mechanism of disease.;Absent from controls (or at extremely low frequency if recessive) in Genome Aggregation Database.

NM_001375405.1(CEP120):c.2074C>T (p.Arg692Ter)

Gene: CEP120 (centrosomal protein 120; minus strand). Cytogenetic location: 5q23.2.
Variant type: single nucleotide variant.
Coding change: c.2074C>T on transcript NM_001375405.1 (MANE Select); coding-DNA position 2074, C replaced by T.
Protein change: p.Arg692Ter; replaces arginine 692 with a stop codon.
Molecular consequence: nonsense. On other transcripts: non-coding transcript variant (1).
Genome position (GRCh38, 1-based): chr5:123,382,140, G>A on the plus strand (C>T on the coding strand, the complement: CEP120 is on the minus strand). VCF-style: chr5-123382140-G-A. GRCh37 (hg19) VCF-style: chr5-122717834-G-A.
Other names: c.1996C>T, p.Arg666Ter (NM_001166226.2); c.1939C>T, p.Arg647Ter (NM_001375406.1); c.2074C>T, p.Arg692Ter (NM_001375407.1, NM_153223.4); c.1501C>T, p.Arg501Ter (NM_001375408.1, NM_001375409.1); short protein forms R501*, R692*, R647*, R666*.
Identifiers: ClinVar variation 5006820 (VCV005006820.2).
Genomic context (GRCh38, chr5:123,382,140, plus strand): 5'-TTCTCTTCCTCACTTTTACACAAGTTATTACCTTTTTCTTTACTAGTGATTCTCTTTCTC[G>A]GTCCCTTTTCTTCCATTCCTCTGCAAGAGCCTGCATATGAGCCAGTTCTTTCTGCTTCAG-3'